The following is an entry in ClinVar:

NM_001458.5(FLNC):c.6860C>A (p.Thr2287Lys)

Genes: FLNC (filamin C; plus strand), FLNC-AS1 (FLNC antisense RNA 1; minus strand). Cytogenetic location: 7q32.1.
Variant type: single nucleotide variant.
Coding change: c.6860C>A on transcript NM_001458.5 (MANE Select); coding-DNA position 6860, C replaced by A.
Protein change: p.Thr2287Lys; replaces threonine 2287 with lysine.
Molecular consequence: missense variant.
Genome position (GRCh38, 1-based): chr7:128,854,545, C>A. VCF-style: chr7-128854545-C-A. GRCh37 (hg19) VCF-style: chr7-128494599-C-A.
Other names: c.6761C>A, p.Thr2254Lys (NM_001127487.2); short protein forms T2254K, T2287K.
Identifiers: ClinVar variation 4812381 (VCV004812381.1).
Genomic context (GRCh38, chr7:128,854,545, plus strand): 5'-TCGAGGGCGAGGACAGCGCCTACAGCGTGCGCTTTGTGCCCCAGGAAATGGGGCCCCATA[C>A]GGTCGCTGTCAAGTACCGTGGCCAGCACGTGCCCGGCAGCCCCTTTCAGTTCACTGTGGG-3'
Protein context (NP_001449.3, residues 2277-2297): RFVPQEMGPH[Thr2287Lys]VAVKYRGQHV

ClinVar aggregate classification (germline): Uncertain significance (1 of 4 stars; one submission).

Conditions:
Hypertrophic cardiomyopathy 26. Also called: Cardiomyopathy, familial hypertrophic, 26. Identifiers: Orphanet 75249, MedGen C4310749, MONDO:0014883, OMIM 617047.
Myofibrillar myopathy 5. Also called: Filaminopathy (type); FILAMINOPATHY, AUTOSOMAL DOMINANT. Identifiers: Orphanet 171445, MedGen C1836050, MONDO:0012289, OMIM 609524.
Distal myopathy with posterior leg and anterior hand involvement. Also called: WILLIAMS DISTAL MYOPATHY. Identifiers: Orphanet 63273, MedGen C3279722, MONDO:0013550, OMIM 614065.

gnomAD v4.1: 2 of 1,607,402 alleles (0.00012%); highest among the groups gnomAD compares: Non-Finnish European, 0.00017%; no homozygotes.

Submission:

Labcorp Genetics (formerly Invitae), Labcorp
Classification: Uncertain significance for Distal myopathy with posterior leg and anterior hand involvement; Myofibrillar myopathy 5; Hypertrophic cardiomyopathy 26. Last evaluated: 2025-08-30. Review status: criteria provided, single submitter. Criteria: Invitae Variant Classification Sherloc (09022015). Collection method: clinical testing. Allele origin: germline.
Comment: This sequence change replaces threonine, which is neutral and polar, with lysine, which is basic and polar, at codon 2287 of the FLNC protein (p.Thr2287Lys). This variant is not present in population databases (gnomAD no frequency). This missense change has been observed in individual(s) with hypertrophic cardiomyopathy (PMID: 32112656). Invitae Evidence Modeling of protein sequence and biophysical properties (such as structural, functional, and spatial information, amino acid conservation, physicochemical variation, residue mobility, and thermodynamic stability) indicates that this missense variant is not expected to disrupt FLNC protein function with a negative predictive value of 95%. In summary, the available evidence is currently insufficient to determine the role of this variant in disease. Therefore, it has been classified as a Variant of Uncertain Significance.

Literature cited by the submitters: PubMed 32112656.